The following is an entry in ClinVar:

NM_030957.4(ADAMTS10):c.2498C>A (p.Pro833His)

Gene: ADAMTS10 (ADAM metallopeptidase with thrombospondin type 1 motif 10; minus strand). Cytogenetic location: 19p13.2.
Variant type: single nucleotide variant.
Coding change: c.2498C>A on transcript NM_030957.4 (MANE Select); coding-DNA position 2498, C replaced by A.
Protein change: p.Pro833His; replaces proline 833 with histidine.
Molecular consequence: missense variant.
Genome position (GRCh38, 1-based): chr19:8,586,376, G>T on the plus strand (C>A on the coding strand, the complement: ADAMTS10 is on the minus strand). VCF-style: chr19-8586376-G-T. GRCh37 (hg19) VCF-style: chr19-8651260-G-T.
Other names: c.959C>A, p.Pro320His (NM_001282352.2); short protein forms P320H, P833H.
Identifiers: ClinVar variation 2117683 (VCV002117683.4), dbSNP rs1159126343, ClinGen allele CA403749666.
Genomic context (GRCh38, chr19:8,586,376, plus strand): 5'-TTGTGCCTTCCCCCACCCCCGGCCTCACCGCCTGCACACTGGGCCGAGCACTTGGTCCAG[G>T]GCGCATAGTGCCAGGAGTAGGGGGGCAGCGAGTCACGGGCGATGGGGGCATTGAAGCGGT-3'
Protein context (NP_112219.3, residues 823-843): SLPPYSWHYA[Pro833His]WTKCSAQCAG

ClinVar aggregate classification (germline): Uncertain significance (1 of 4 stars; one submission).

Allele frequency attached by ClinVar (database versions not stated): gnomAD exomes below 0.00001; gnomAD 0.00001; TOPMed 0.00002.
gnomAD v4.1: 4 of 1,613,710 alleles (0.00025%); highest among the groups gnomAD compares: Non-Finnish European, 0.00034%; no homozygotes.

Submission:

Labcorp Genetics (formerly Invitae), Labcorp
Classification: Uncertain significance. Last evaluated: 2022-06-16. Review status: criteria provided, single submitter. Criteria: Invitae Variant Classification Sherloc (09022015). Collection method: clinical testing. Allele origin: germline.
Comment: In summary, the available evidence is currently insufficient to determine the role of this variant in disease. Therefore, it has been classified as a Variant of Uncertain Significance. Algorithms developed to predict the effect of missense changes on protein structure and function are either unavailable or do not agree on the potential impact of this missense change (SIFT: "Deleterious"; PolyPhen-2: "Benign"; Align-GVGD: "Class C15"). This variant has not been reported in the literature in individuals affected with ADAMTS10-related conditions. This variant is not present in population databases (gnomAD no frequency). This sequence change replaces proline, which is neutral and non-polar, with histidine, which is basic and polar, at codon 833 of the ADAMTS10 protein (p.Pro833His).